The following is an entry in ClinVar:

NM_016579.4(CD320):c.268+19T>G

Gene: CD320 (CD320 molecule; minus strand). Cytogenetic location: 19p13.2.
Variant type: single nucleotide variant.
Coding change: c.268+19T>G on transcript NM_016579.4 (MANE Select); 19 bases into the intron after coding-DNA position 268, T replaced by G.
Molecular consequence: intron variant.
Genome position (GRCh38, 1-based): chr19:8,305,012, A>C on the plus strand (T>G on the coding strand, the complement: CD320 is on the minus strand). VCF-style: chr19-8305012-A-C. GRCh37 (hg19) VCF-style: chr19-8369896-A-C.
Other names: p.?; c.143-924T>G (NM_001165895.2).
Identifiers: ClinVar variation 136679 (VCV000136679.15), dbSNP rs2232780, ClinGen allele CA289981.
Genomic context (GRCh38, chr19:8,305,012, plus strand): 5'-CCTCCGCGTGCCTGGCCCCTGACAAACCACCCTCAGGCCCCGCCCCCTGTAAGCCCCGCC[A>C]AGGGGCGTGGCCACTCACTGCACTCCTCCTCATCGCTGCCATCGCTGCAGTCCAAGTCCC-3'

ClinVar aggregate classification (germline): Benign. Review status: criteria provided, multiple submitters, no conflicts (2 of 4 stars). 5 submissions from 5 submitters: Benign (5). Last evaluated 2026-02-02.

Conditions:
Methylmalonic acidemia due to transcobalamin receptor defect (MATR). Also called: METHYLMALONIC ACIDURIA, TRANSIENT, DUE TO TRANSCOBALAMIN RECEPTOR DEFECT; METHYLMALONIC ACIDEMIA, TCblR TYPE. Identifiers: Orphanet 280183, MedGen C4749905, MONDO:0013341, OMIM 613646.

Allele frequency attached by ClinVar (database versions not stated): gnomAD exomes 0.04306 and 0.05890; ExAC 0.06263; gnomAD 0.11538 and 0.12049; ESP Exome Variant Server 0.12421; TOPMed 0.12690; 1000 Genomes Project 0.13219; 1000 Genomes Project 30x 0.13429.
gnomAD v4.1: 80,861 of 1,602,102 alleles (5%); highest among the groups gnomAD compares: African/African-American, 31%; 4,831 homozygotes.

Submissions (5):

Labcorp Genetics (formerly Invitae), Labcorp
Classification: Benign for Methylmalonic acidemia due to transcobalamin receptor defect. Last evaluated: 2026-02-02. Review status: criteria provided, single submitter. Criteria: Invitae Variant Classification Sherloc (09022015). Collection method: clinical testing. Allele origin: germline.

Mayo Clinic Laboratories, Mayo Clinic
Classification: Benign. Last evaluated: 2022-07-22. Review status: criteria provided, single submitter. Criteria: ACMG Guidelines, 2015. Collection method: clinical testing. Allele origin: germline. Observed: 11 variant alleles.

Eurofins Ntd Llc (ga)
Classification: Benign. Last evaluated: 2017-03-07. Review status: criteria provided, single submitter. Criteria: EGL Classification Definitions 2015. Collection method: clinical testing. Allele origin: germline. Observed: 2 variant alleles, 2 homozygotes.

GeneDx
Classification: Benign. Last evaluated: 2013-11-26. Review status: criteria provided, single submitter. Criteria: GeneDx Variant Classification (06012015). Collection method: clinical testing. Allele origin: germline. Affected: yes.
Comment: This variant is considered likely benign or benign based on one or more of the following criteria: it is a conservative change, it occurs at a poorly conserved position in the protein, it is predicted to be benign by multiple in silico algorithms, and/or has population frequency not consistent with disease.

Breakthrough Genomics
Classification: Benign. Review status: criteria provided, single submitter. Criteria: ACMG Guidelines, 2015. Collection method: not provided. Allele origin: germline. Inheritance: Autosomal recessive inheritance. Affected: yes.